The following is an entry in ClinVar:

NM_006904.7(PRKDC):c.12199G>C (p.Gly4067Arg)

Gene: PRKDC (protein kinase, DNA-activated, catalytic subunit; minus strand). Cytogenetic location: 8q11.21.
Variant type: single nucleotide variant.
Coding change: c.12199G>C on transcript NM_006904.7 (MANE Select); coding-DNA position 12199, G replaced by C.
Protein change: p.Gly4067Arg; replaces glycine 4067 with arginine.
Molecular consequence: missense variant.
Genome position (GRCh38, 1-based): chr8:47,774,361, C>G on the plus strand (G>C on the coding strand, the complement: PRKDC is on the minus strand). VCF-style: chr8-47774361-C-G. GRCh37 (hg19) VCF-style: chr8-48686922-C-G.
Other names: c.12106G>C, p.Gly4036Arg (NM_001081640.2); short protein forms G4036R, G4067R.
Identifiers: ClinVar variation 3225734 (VCV003225734.1), dbSNP rs2551859167, ClinGen allele CA371126858.

ClinVar aggregate classification (germline): Uncertain significance (1 of 4 stars; one submission).

Submission:

Ambry Genetics
Classification: Uncertain significance. Last evaluated: 2024-02-28. Review status: criteria provided, single submitter. Criteria: Ambry Variant Classification Scheme 2023. Collection method: clinical testing. Allele origin: germline.
Comment: The p.G4067R variant (also known as c.12199G>C), located in coding exon 86 of the PRKDC gene, results from a G to C substitution at nucleotide position 12199. The glycine at codon 4067 is replaced by arginine, an amino acid with dissimilar properties. This amino acid position is conserved. In addition, the in silico prediction for this alteration is inconclusive. Based on the available evidence, the clinical significance of this alteration remains unclear.